The following is an entry in ClinVar:

ClinVar aggregate classification (germline): Uncertain significance (1 of 4 stars; one submission).

Conditions:
Hereditary cancer-predisposing syndrome. Also called: Hereditary neoplastic syndrome; Neoplastic Syndromes, Hereditary; Tumor predisposition; Hereditary Cancer Syndrome. Identifiers: Orphanet 140162, MedGen C0027672, MeSH D009386, MONDO:0015356.

Submission:

Ambry Genetics
Classification: Uncertain significance for Hereditary cancer-predisposing syndrome. Last evaluated: 2025-08-27. Review status: criteria provided, single submitter. Criteria: Ambry Variant Classification Scheme 2023. Collection method: clinical testing. Allele origin: germline.
Comment: The p.P18Q variant (also known as c.53C>A), located in coding exon 2 of the MUTYH gene, results from a C to A substitution at nucleotide position 53. The proline at codon 18 is replaced by glutamine, an amino acid with similar properties. This amino acid position is conserved. In addition, this alteration is predicted to be tolerated by in silico analysis. Based on the available evidence, the clinical significance of this variant remains unclear.

NM_001048174.2(MUTYH):c.11C>A (p.Pro4Gln)

Gene: MUTYH (mutY DNA glycosylase; minus strand). Cytogenetic location: 1p34.1.
Variant type: single nucleotide variant.
Coding change: c.11C>A on transcript NM_001048174.2 (MANE Select); coding-DNA position 11, C replaced by A.
Protein change: p.Pro4Gln; replaces proline 4 with glutamine.
Molecular consequence: missense variant. On other transcripts: 5 prime UTR variant (7), non-coding transcript variant (7).
Genome position (GRCh38, 1-based): chr1:45,334,495, G>T on the plus strand (C>A on the coding strand, the complement: MUTYH is on the minus strand). VCF-style: chr1-45334495-G-T. GRCh37 (hg19) VCF-style: chr1-45800167-G-T.
Other names: c.11C>A, p.Pro4Gln (NM_001048171.2, NM_001048172.2, NM_001048173.2 and 15 more transcripts); c.53C>A, p.Pro18Gln (NM_001128425.2, NM_001293190.2, NM_001407069.1 and 2 more transcripts); c.-202C>A (NM_001293192.2, NM_001293196.2, NM_001407091.1); c.-261C>A (NM_001350650.2); c.-197C>A (NM_001350651.2, NM_001407082.1); c.-146C>A (NM_001407075.1); c.29C>A, p.Pro10Gln (NM_001407087.1); short protein forms P10Q, P18Q, P4Q.
Identifiers: ClinVar variation 4113718 (VCV004113718.1).